The following is an entry in ClinVar:

ClinVar aggregate classification (germline): Uncertain significance (1 of 4 stars; one submission).

Conditions:
Neurodevelopmental disorder with progressive spasticity and brain white matter abnormalities. Also called: CEREBRAL PALSY, SPASTIC QUADRIPLEGIC, 1. Identifiers: Orphanet 210141, Orphanet 641353, MedGen C5436628, MONDO:0033613, OMIM 619026.

Allele frequency attached by ClinVar (database versions not stated): ExAC 0.00016; TOPMed 0.00032; gnomAD 0.00042 and 0.00045; ESP Exome Variant Server 0.00085.
gnomAD v4.1: 114 of 1,614,178 alleles (0.0071%); highest among the groups gnomAD compares: African/African-American, 0.13%; no homozygotes.

Submission:

Labcorp Genetics (formerly Invitae), Labcorp
Classification: Uncertain significance for Neurodevelopmental disorder with progressive spasticity and brain white matter abnormalities. Last evaluated: 2021-09-24. Review status: criteria provided, single submitter. Criteria: Invitae Variant Classification Sherloc (09022015). Collection method: clinical testing. Allele origin: germline.
Comment: This sequence change replaces proline with alanine at codon 162 of the GAD1 protein (p.Pro162Ala). The proline residue is highly conserved and there is a small physicochemical difference between proline and alanine. This variant is present in population databases (rs145603819, ExAC 0.2%). This variant has not been reported in the literature in individuals with GAD1-related conditions. Algorithms developed to predict the effect of missense changes on protein structure and function are either unavailable or do not agree on the potential impact of this missense change (SIFT: "Tolerated"; PolyPhen-2: "Probably Damaging"; Align-GVGD: "Class C0"). In summary, the available evidence is currently insufficient to determine the role of this variant in disease. Therefore, it has been classified as a Variant of Uncertain Significance.

NM_000817.3(GAD1):c.484C>G (p.Pro162Ala)

Gene: GAD1 (glutamate decarboxylase 1; plus strand). Cytogenetic location: 2q31.1.
Variant type: single nucleotide variant.
Coding change: c.484C>G on transcript NM_000817.3 (MANE Select); coding-DNA position 484, C replaced by G.
Protein change: p.Pro162Ala; replaces proline 162 with alanine.
Molecular consequence: missense variant.
Genome position (GRCh38, 1-based): chr2:170,831,129, C>G. VCF-style: chr2-170831129-C-G. GRCh37 (hg19) VCF-style: chr2-171687639-C-G.
Other names: c.484C>G, p.Pro162Ala (NM_013445.4); short protein forms P162A.
Identifiers: ClinVar variation 1507693 (VCV001507693.5), dbSNP rs145603819, ClinGen allele CA1962626.